The following is an entry in ClinVar:

NM_001040142.2(SCN2A):c.1570C>T (p.Arg524Ter)

Gene: SCN2A (sodium voltage-gated channel alpha subunit 2; plus strand). Cytogenetic location: 2q24.3.
Variant type: single nucleotide variant.
Coding change: c.1570C>T on transcript NM_001040142.2 (MANE Select); coding-DNA position 1570, C replaced by T.
Protein change: p.Arg524Ter; replaces arginine 524 with a stop codon.
Molecular consequence: nonsense.
Genome position (GRCh38, 1-based): chr2:165,315,657, C>T. VCF-style: chr2-165315657-C-T. GRCh37 (hg19) VCF-style: chr2-166172167-C-T.
Other names: c.1570C>T, p.Arg524Ter (NM_001040143.2, NM_001371246.1, NM_001371247.1 and 1 more transcripts); short protein forms R524*.
Identifiers: ClinVar variation 1333343 (VCV001333343.7), dbSNP rs1553569754, ClinGen allele CA318132.
Genomic context (GRCh38, chr2:165,315,657, plus strand): 5'-AGAAGAAAGAAAAAGAAACAGAAAGAACAGTCTGGAGAAGAAGAGAAAAATGACAGAGTC[C>T]GAAAATCGGAATCTGAAGACAGCATAAGAAGAAAAGGTTTCCGTTTTTCCTTGGAAGGAA-3'

ClinVar aggregate classification (germline): Pathogenic/Likely pathogenic. Review status: criteria provided, multiple submitters, no conflicts (2 of 4 stars). 4 submissions from 4 submitters: Pathogenic (3); Likely pathogenic (1). Last evaluated 2025-11-26.

Conditions:
Seizures, benign familial infantile, 3 (BFIS3). Also called: Familial neonatal seizures; CONVULSIONS, BENIGN FAMILIAL INFANTILE, 3. Identifiers: Orphanet 140927, Orphanet 306, MedGen C1843140, MONDO:0011904, OMIM 607745.
Developmental and epileptic encephalopathy, 11 (DEE11). Also called: Early infantile epileptic encephalopathy 11. Identifiers: Orphanet 1934, MedGen C3150987, MONDO:0013388, OMIM 613721.

Submissions (4):

Institute of Human Genetics, University of Leipzig Medical Center
Classification: Pathogenic for Developmental and epileptic encephalopathy, 11. Last evaluated: 2025-11-26. Review status: criteria provided, single submitter. Criteria: ACMG Guidelines, 2015. Collection method: clinical testing. Allele origin: unknown. Inheritance: Autosomal dominant inheritance. Affected: yes.
Comment: Criteria applied: PVS1,PS2_VSTR,PS4,PM2

Dasa
Classification: Pathogenic. Last evaluated: 2025-08-13. Review status: criteria provided, single submitter. Criteria: DASA Assertion Criteria. Collection method: clinical testing. Allele origin: germline.
Comment: NM_001040142.2(SCN2A):c.1570C>T (p.Arg524*) introduces a premature termination codon predicted to result in loss of normal protein function. Loss-of-function is an established mechanism of disease for this gene. This variant has been recurrently observed in individuals with related phenotype (PMID: 24726472; PMID: 32651551). The variant is present at low frequency in population datasets. Based on the available data, this variant is classified as pathogenic.

Labcorp Genetics (formerly Invitae), Labcorp
Classification: Pathogenic for Seizures, benign familial infantile, 3; Developmental and epileptic encephalopathy, 11. Last evaluated: 2023-04-12. Review status: criteria provided, single submitter. Criteria: Invitae Variant Classification Sherloc (09022015). Collection method: clinical testing. Allele origin: germline.
Comment: This sequence change creates a premature translational stop signal (p.Arg524*) in the SCN2A gene. It is expected to result in an absent or disrupted protein product. Loss-of-function variants in SCN2A are known to be pathogenic (PMID: 28379373). This variant is not present in population databases (gnomAD no frequency). For these reasons, this variant has been classified as Pathogenic. ClinVar contains an entry for this variant (Variation ID: 1333343). This premature translational stop signal has been observed in individual(s) with clinical features of SCN1B-related conditions (PMID: 32651551).

3billion
Classification: Likely pathogenic for Developmental and epileptic encephalopathy, 11. Last evaluated: 2022-01-03. Review status: criteria provided, single submitter. Criteria: ACMG Guidelines, 2015. Collection method: clinical testing. Allele origin: germline. Affected: yes. Observed: 1 heterozygote.
Comment: Stop-gained (nonsense): predicted to result in a loss or disruption of normal protein function through nonsense-mediated decay (NMD) or protein truncation. Multiple pathogenic variants are reported downstream of the variant (PVS1_VS). It is not observed in the gnomAD v2.1.1 dataset (PM2_M). Therefore, this variant is classified as likely pathogenic according to the recommendation of ACMG/AMP guideline.

Literature cited by the submitters: PubMed 24726472 (cited by Dasa); PubMed 32651551 (cited by Dasa and Labcorp Genetics (formerly Invitae), Labcorp); PubMed 28379373 (cited by Labcorp Genetics (formerly Invitae), Labcorp).